The following is an entry in ClinVar:

NM_017514.5(PLXNA3):c.3550G>C (p.Asp1184His)

Gene: PLXNA3 (plexin A3; plus strand). Cytogenetic location: Xq28.
Variant type: single nucleotide variant.
Coding change: c.3550G>C on transcript NM_017514.5 (MANE Select); coding-DNA position 3550, G replaced by C.
Protein change: p.Asp1184His; replaces aspartic acid 1184 with histidine.
Molecular consequence: missense variant.
Genome position (GRCh38, 1-based): chrX:154,467,653, G>C. VCF-style: chrX-154467653-G-C. GRCh37 (hg19) VCF-style: chrX-153695996-G-C.
Other names: c.3550G>C (NM_017514.4); short protein forms D1184H.
Identifiers: ClinVar variation 1297495 (VCV001297495.4), dbSNP rs781806360, ClinGen allele CA415245651.

ClinVar aggregate classification (germline): Uncertain significance. Review status: no assertion criteria provided (0 of 4 stars). 3 submissions from 3 submitters: Uncertain significance (3). Last evaluated 2024-09-04.

Conditions:
PLXNA3-related disorder. Also called: PLXNA3-related condition.

Allele frequency attached by ClinVar (database versions not stated): TOPMed 0.00001; gnomAD 0.00003.
gnomAD v4.1: 17 of 1,208,392 alleles (0.0014%); highest among the groups gnomAD compares: Non-Finnish European, 0.0019%; no homozygotes.

Submissions (3):

PreventionGenetics, part of Exact Sciences
Classification: Uncertain significance for PLXNA3-related condition. Last evaluated: 2024-09-04. Review status: no assertion criteria provided. Collection method: clinical testing. Allele origin: germline.
Comment: The PLXNA3 c.3550G>C variant is predicted to result in the amino acid substitution p.Asp1184His. To our knowledge, this variant has not been reported in the literature. This variant is reported in 0.019% of alleles in individuals of European (Non-Finnish) descent in gnomAD. At this time, the clinical significance of this variant is uncertain due to the absence of conclusive functional and genetic evidence.

Clinical Genetics DNA and cytogenetics Diagnostics Lab, Erasmus MC, Erasmus Medical Center
Classification: Uncertain significance. Review status: no assertion criteria provided. Collection method: clinical testing. Allele origin: germline. Affected: yes. Study: VKGL Data-share Consensus.

Joint Genome Diagnostic Labs from Nijmegen and Maastricht, Radboudumc and MUMC+
Classification: Uncertain significance. Review status: no assertion criteria provided. Collection method: clinical testing. Allele origin: germline. Affected: yes. Study: VKGL Data-share Consensus.